The following is an entry in ClinVar:

ClinVar aggregate classification (germline): Uncertain significance (1 of 4 stars; one submission).

Submission:

Labcorp Genetics (formerly Invitae), Labcorp
Classification: Uncertain significance. Last evaluated: 2025-06-04. Review status: criteria provided, single submitter. Criteria: Invitae Variant Classification Sherloc (09022015). Collection method: clinical testing. Allele origin: germline.
Comment: This sequence change replaces glycine, which is neutral and non-polar, with serine, which is neutral and polar, at codon 574 of the ALPK3 protein (p.Gly574Ser). This variant is not present in population databases (gnomAD no frequency). This variant has not been reported in the literature in individuals affected with ALPK3-related conditions. ClinVar contains an entry for this variant (Variation ID: 1411142). An algorithm developed to predict the effect of missense changes on protein structure and function (PolyPhen-2) suggests that this variant is likely to be tolerated. In summary, the available evidence is currently insufficient to determine the role of this variant in disease. Therefore, it has been classified as a Variant of Uncertain Significance.

NM_020778.5(ALPK3):c.1114G>A (p.Gly372Ser)

Gene: ALPK3 (alpha kinase 3; plus strand). Cytogenetic location: 15q25.3.
Variant type: single nucleotide variant.
Coding change: c.1114G>A on transcript NM_020778.5 (MANE Select); coding-DNA position 1114, G replaced by A.
Protein change: p.Gly372Ser; replaces glycine 372 with serine.
Molecular consequence: missense variant.
Genome position (GRCh38, 1-based): chr15:84,840,393, G>A. VCF-style: chr15-84840393-G-A. GRCh37 (hg19) VCF-style: chr15-85383624-G-A.
Other names: short protein forms G372S.
Identifiers: ClinVar variation 1411142 (VCV001411142.6), dbSNP rs2141556931, ClinGen allele CA393374469.
Genomic context (GRCh38, chr15:84,840,393, plus strand): 5'-CCTGACTCCTGTGGGACTCAGGGGCCCGTGGGCGTGGAGCAGGTTCAGACCCAGCCCAGA[G>A]GCAGGGCTGCACGGGGGCCTGGGTCCTCTGGCACAGATAGTACCAGGAAGCCAGCCTCTG-3'
Protein context (NP_065829.4, residues 362-382): GVEQVQTQPR[Gly372Ser]RAARGPGSSG